The following is an entry in ClinVar:

ClinVar aggregate classification (germline): Uncertain significance (1 of 4 stars; one submission).

Conditions:
Inborn genetic diseases. Identifiers: MedGen C0950123, MeSH D030342.

Submission:

Ambry Genetics
Classification: Uncertain significance for Inborn genetic diseases. Last evaluated: 2025-02-21. Review status: criteria provided, single submitter. Criteria: Ambry Variant Classification Scheme 2023. Collection method: clinical testing. Allele origin: germline.
Comment: The p.N1587S variant (also known as c.4760A>G), located in coding exon 19 of the FANCM gene, results from an A to G substitution at nucleotide position 4760. The asparagine at codon 1587 is replaced by serine, an amino acid with highly similar properties. This amino acid position is conserved. In addition, this alteration is predicted to be tolerated by in silico analysis. Based on the available evidence, the clinical significance of this variant remains unclear.

NM_020937.4(FANCM):c.4760A>G (p.Asn1587Ser)

Gene: FANCM (FA complementation group M; plus strand). Cytogenetic location: 14q21.2.
Variant type: single nucleotide variant.
Coding change: c.4760A>G on transcript NM_020937.4 (MANE Select); coding-DNA position 4760, A replaced by G.
Protein change: p.Asn1587Ser; replaces asparagine 1587 with serine.
Molecular consequence: missense variant.
Genome position (GRCh38, 1-based): chr14:45,187,868, A>G. VCF-style: chr14-45187868-A-G. GRCh37 (hg19) VCF-style: chr14-45657071-A-G.
Other names: c.4682A>G, p.Asn1561Ser (NM_001308133.2); short protein forms N1561S, N1587S.
Identifiers: ClinVar variation 3848751 (VCV003848751.1).